The following is an entry in ClinVar:

NM_032830.3(UTP4):c.730G>A (p.Val244Ile)

Gene: UTP4 (UTP4 small subunit processome component). Cytogenetic location: 16q22.1.
Variant type: single nucleotide variant.
Coding change: c.730G>A on transcript NM_032830.3 (MANE Select); coding-DNA position 730, G replaced by A.
Protein change: p.Val244Ile; replaces valine 244 with isoleucine.
Molecular consequence: missense variant.
Genome position (GRCh38, 1-based): chr16:69,143,381, G>A. VCF-style: chr16-69143381-G-A. GRCh37 (hg19) VCF-style: chr16-69177284-G-A.
Other names: c.481G>A, p.Val161Ile (NM_001318391.2); short protein forms V161I, V244I.
Identifiers: ClinVar variation 3614630 (VCV003614630.2).

ClinVar aggregate classification (germline): Uncertain significance (1 of 4 stars; one submission).

Submission:

Labcorp Genetics (formerly Invitae), Labcorp
Classification: Uncertain significance. Last evaluated: 2024-05-28. Review status: criteria provided, single submitter. Criteria: Invitae Variant Classification Sherloc (09022015). Collection method: clinical testing. Allele origin: germline.
Comment: This sequence change replaces valine, which is neutral and non-polar, with isoleucine, which is neutral and non-polar, at codon 244 of the UTP4 protein (p.Val244Ile). This variant is present in population databases (rs575374221, gnomAD 0.0009%). This variant has not been reported in the literature in individuals affected with UTP4-related conditions. Advanced modeling of protein sequence and biophysical properties (such as structural, functional, and spatial information, amino acid conservation, physicochemical variation, residue mobility, and thermodynamic stability) performed at Invitae indicates that this missense variant is not expected to disrupt UTP4 protein function with a negative predictive value of 80%. In summary, the available evidence is currently insufficient to determine the role of this variant in disease. Therefore, it has been classified as a Variant of Uncertain Significance.